The following is an entry in ClinVar:

NM_003482.4(KMT2D):c.3238G>C (p.Glu1080Gln)

Gene: KMT2D (lysine methyltransferase 2D; minus strand). Cytogenetic location: 12q13.12.
Variant type: single nucleotide variant.
Coding change: c.3238G>C on transcript NM_003482.4 (MANE Select); coding-DNA position 3238, G replaced by C.
Protein change: p.Glu1080Gln; replaces glutamic acid 1080 with glutamine.
Molecular consequence: missense variant.
Genome position (GRCh38, 1-based): chr12:49,050,350, C>G on the plus strand (G>C on the coding strand, the complement: KMT2D is on the minus strand). VCF-style: chr12-49050350-C-G. GRCh37 (hg19) VCF-style: chr12-49444133-C-G.
Other names: short protein forms E1080Q.
Identifiers: ClinVar variation 805014 (VCV000805014.3), dbSNP rs762541995, ClinGen allele CA6548093.

ClinVar aggregate classification (germline): Uncertain significance. Review status: criteria provided, multiple submitters, no conflicts (2 of 4 stars). 3 submissions from 3 submitters: Uncertain significance (3). Last evaluated 2026-08-21.

Conditions:
Kabuki syndrome 1 (KABUK1). Also called: KMT2D-Related Kabuki Syndrome. Identifiers: Orphanet 2322, MedGen CN030661, MONDO:0007843, OMIM 147920.
KMT2D-related disorder. Also called: KMT2D-Related Disorders.

Allele frequency attached by ClinVar (database versions not stated): gnomAD 0.00002; TOPMed 0.00002; gnomAD exomes 0.00004.
gnomAD v4.1: 108 of 1,611,552 alleles (0.0067%); highest among the groups gnomAD compares: Non-Finnish European, 0.0088%; no homozygotes.

Submissions (3):

PreventionGenetics, part of Exact Sciences
Classification: Uncertain significance for KMT2D-related condition. Last evaluated: 2026-08-21. Review status: criteria provided, single submitter. Criteria: ACMG Guidelines, 2015. Collection method: clinical testing. Allele origin: germline.
Comment: The KMT2D c.3238G>C variant is predicted to result in the amino acid substitution p.Glu1080Gln. This variant has been reported in an individual with cardiac anomalies such as aortic stenosis in a large cohort study on genomic analysis of congenital heart disease (Dataset S04. Sierant et al. 2025. PubMed ID: 40127276). This variant is reported in 0.0082% of alleles in individuals of European (Non-Finnish) descent in gnomAD. At this time, the clinical significance of this variant is uncertain due to the absence of conclusive functional and genetic evidence.

Fulgent Genetics
Classification: Uncertain significance for Kabuki syndrome 1. Last evaluated: 2021-07-20. Review status: criteria provided, single submitter. Criteria: ACMG Guidelines, 2015. Collection method: clinical testing. Allele origin: unknown.

Athena Diagnostics
Classification: Uncertain significance. Last evaluated: 2018-10-30. Review status: criteria provided, single submitter. Criteria: Athena Diagnostics Criteria. Collection method: clinical testing. Allele origin: germline.